The following is an entry in ClinVar:

NM_000426.4(LAMA2):c.6993-216C>T

Gene: LAMA2 (laminin subunit alpha 2; plus strand). Cytogenetic location: 6q22.33.
Variant type: single nucleotide variant.
Coding change: c.6993-216C>T on transcript NM_000426.4 (MANE Select); 216 bases into the intron before coding-DNA position 6993, C replaced by T.
Molecular consequence: intron variant.
Genome position (GRCh38, 1-based): chr6:129,464,074, C>T. VCF-style: chr6-129464074-C-T. GRCh37 (hg19) VCF-style: chr6-129785219-C-T.
Other names: c.6993-216C>T (NM_001079823.2).
Identifiers: ClinVar variation 682951 (VCV000682951.1), dbSNP rs1414737, ClinGen allele CA12432478.

ClinVar aggregate classification (germline): Benign (1 of 4 stars; one submission).

Allele frequency attached by ClinVar (database versions not stated): 1000 Genomes Project 30x 0.39897; 1000 Genomes Project 0.40156; gnomAD 0.42298 and 0.42307; TOPMed 0.42377.
gnomAD v4.1: 64,144 of 151,558 alleles (42%); highest among the groups gnomAD compares: South Asian, 46%; 13,766 homozygotes.

Submission:

GeneDx
Classification: Benign. Last evaluated: 2018-06-14. Review status: criteria provided, single submitter. Criteria: GeneDx Variant Classification (06012015). Collection method: clinical testing. Allele origin: germline. Affected: yes.
Comment: This variant is considered likely benign or benign based on one or more of the following criteria: it is a conservative change, it occurs at a poorly conserved position in the protein, it is predicted to be benign by multiple in silico algorithms, and/or has population frequency not consistent with disease.